The following is an entry in ClinVar:

ClinVar aggregate classification (germline): Uncertain significance (1 of 4 stars; one submission).

Conditions:
Developmental and epileptic encephalopathy 94 (DEE94). Also called: CHD2-Related Neurodevelopmental Disorders; Epileptic encephalopathy, childhood-onset. Identifiers: Orphanet 1942, Orphanet 2382, MedGen C3809278, MONDO:0014150, OMIM 615369.

Allele frequency attached by ClinVar (database versions not stated): gnomAD exomes below 0.00001; gnomAD 0.00001; TOPMed 0.00003.
gnomAD v4.1: 2 of 1,614,112 alleles (0.00012%); highest among the groups gnomAD compares: African/African-American, 0.0027%; no homozygotes.

Submission:

Labcorp Genetics (formerly Invitae), Labcorp
Classification: Uncertain significance for Developmental and epileptic encephalopathy 94. Last evaluated: 2021-10-29. Review status: criteria provided, single submitter. Criteria: Invitae Variant Classification Sherloc (09022015). Collection method: clinical testing. Allele origin: germline.
Comment: In summary, the available evidence is currently insufficient to determine the role of this variant in disease. Therefore, it has been classified as a Variant of Uncertain Significance. Advanced modeling of protein sequence and biophysical properties (such as structural, functional, and spatial information, amino acid conservation, physicochemical variation, residue mobility, and thermodynamic stability) performed at Invitae indicates that this missense variant is not expected to disrupt CHD2 protein function. ClinVar contains an entry for this variant (Variation ID: 1005327). This variant has not been reported in the literature in individuals affected with CHD2-related conditions. This variant is present in population databases (no rsID available, gnomAD 0.007%). This sequence change replaces glutamine, which is neutral and polar, with leucine, which is neutral and non-polar, at codon 1756 of the CHD2 protein (p.Gln1756Leu).

NM_001271.4(CHD2):c.5267A>T (p.Gln1756Leu)

Gene: CHD2 (chromodomain helicase DNA binding protein 2; plus strand). Cytogenetic location: 15q26.1.
Variant type: single nucleotide variant.
Coding change: c.5267A>T on transcript NM_001271.4 (MANE Select); coding-DNA position 5267, A replaced by T.
Protein change: p.Gln1756Leu; replaces glutamine 1756 with leucine.
Molecular consequence: missense variant.
Genome position (GRCh38, 1-based): chr15:93,024,485, A>T. VCF-style: chr15-93024485-A-T. GRCh37 (hg19) VCF-style: chr15-93567715-A-T.
Other names: short protein forms Q1756L.
Identifiers: ClinVar variation 1005327 (VCV001005327.7), dbSNP rs1045351387, ClinGen allele CA274889610.